The following is an entry in ClinVar:

NM_024301.5(FKRP):c.1442C>A (p.Pro481His)

Gene: FKRP (fukutin related protein; plus strand). Cytogenetic location: 19q13.32.
Variant type: single nucleotide variant.
Coding change: c.1442C>A on transcript NM_024301.5 (MANE Select); coding-DNA position 1442, C replaced by A.
Protein change: p.Pro481His; replaces proline 481 with histidine.
Molecular consequence: missense variant.
Genome position (GRCh38, 1-based): chr19:46,756,892, C>A. VCF-style: chr19-46756892-C-A. GRCh37 (hg19) VCF-style: chr19-47260149-C-A.
Other names: p.P481H:CCC>CAC; c.1442C>A, p.Pro481His (NM_001039885.3); short protein forms P481H.
Identifiers: ClinVar variation 162562 (VCV000162562.13), dbSNP rs727502844, ClinGen allele CA295345.
Genomic context (GRCh38, chr19:46,756,892, plus strand): 5'-CGCCTAACAACTACCGCCGCTTCCTGGAGCTCAAGTTCGGGCCCGGGGTCATCGAGAACC[C>A]CCAGTACCCCAACCCGGCACTGCTGAGTCTGACGGGAAGCGGCTGAAGCCCTGATAACCT-3'
Protein context (NP_077277.1, residues 471-491): LKFGPGVIEN[Pro481His]QYPNPALLSL

ClinVar aggregate classification (germline): Uncertain significance. Review status: criteria provided, multiple submitters, no conflicts (2 of 4 stars). 5 submissions from 5 submitters: Uncertain significance (5). Last evaluated 2024-06-22.

Conditions:
Walker-Warburg congenital muscular dystrophy. Also called: Muscular dystrophy-dystroglycanopathy, type A; Walker-Warburg syndrome. Identifiers: Orphanet 899, MedGen C0265221, MONDO:0000171.
Cardiovascular phenotype. Identifiers: MedGen CN230736.

gnomAD v4.1: 5 of 1,612,934 alleles (0.00031%); highest among the groups gnomAD compares: Middle Eastern, 0.017%; no homozygotes.

Submissions (5):

Ambry Genetics
Classification: Uncertain significance for Cardiovascular phenotype. Last evaluated: 2024-06-22. Review status: criteria provided, single submitter. Criteria: Ambry Variant Classification Scheme 2023. Collection method: clinical testing. Allele origin: germline.
Comment: The p.P481H variant (also known as c.1442C>A), located in coding exon 1 of the FKRP gene, results from a C to A substitution at nucleotide position 1442. The proline at codon 481 is replaced by histidine, an amino acid with similar properties. This amino acid position is highly conserved in available vertebrate species. In addition, this alteration is predicted to be deleterious by in silico analysis. Since supporting evidence is limited at this time, the clinical significance of this alteration remains unclear.

Labcorp Genetics (formerly Invitae), Labcorp
Classification: Uncertain significance for Walker-Warburg congenital muscular dystrophy. Last evaluated: 2024-04-16. Review status: criteria provided, single submitter. Criteria: Invitae Variant Classification Sherloc (09022015). Collection method: clinical testing. Allele origin: germline.
Comment: This sequence change replaces proline, which is neutral and non-polar, with histidine, which is basic and polar, at codon 481 of the FKRP protein (p.Pro481His). This variant is present in population databases (rs727502844, gnomAD 0.0009%). This variant has not been reported in the literature in individuals affected with FKRP-related conditions. ClinVar contains an entry for this variant (Variation ID: 162562). Advanced modeling of protein sequence and biophysical properties (such as structural, functional, and spatial information, amino acid conservation, physicochemical variation, residue mobility, and thermodynamic stability) performed at Invitae indicates that this missense variant is expected to disrupt FKRP protein function with a positive predictive value of 95%. In summary, the available evidence is currently insufficient to determine the role of this variant in disease. Therefore, it has been classified as a Variant of Uncertain Significance.

Revvity Omics, Revvity
Classification: Uncertain significance. Last evaluated: 2023-11-09. Review status: criteria provided, single submitter. Criteria: ACMG Guidelines, 2015. Collection method: clinical testing. Allele origin: germline.

Eurofins Ntd Llc (ga)
Classification: Uncertain significance. Last evaluated: 2015-07-14. Review status: criteria provided, single submitter. Criteria: EGL Classification Definitions 2015. Collection method: clinical testing. Allele origin: germline. Observed: 1 variant allele, 1 heterozygote.

GeneDx
Classification: Uncertain significance. Last evaluated: 2014-02-27. Review status: criteria provided, single submitter. Criteria: GeneDx Variant Classification (06012015). Collection method: clinical testing. Allele origin: germline. Affected: yes.
Comment: p.Pro481His (CCC>CAC): c.1442 C>A in exon 4 of the FKRP gene (NM_024301.4). The P481H variant has not been published as a mutation, nor has it been reported as a benign polymorphism to our knowledge. It was not observed in approximately 6500 individuals of European and African American ancestry in the NHLBI Exome Sequencing Project, indicating it is not a common benign variant in these populations. The P481H variant is a non-conservative amino acid substitution, which is likely to impact secondary protein structure as these residues differ in polarity, charge, size and/or other properties. This substitution occurs at a position that is conserved across species within the lumenal domain of the protein and missense mutations in nearby residues (F473C, I478T, L489R) have been reported in association with Walker-Warburg syndrome. However, in silico analysis predicts this variant to have a benign effect on the protein. Based on the currently available information, it is unclear whether this variant is a pathogenic mutation or a rare benign variant. The variant is found in CORTICAL-BRAIN panel(s).